The following is an entry in ClinVar:

NM_006904.7(PRKDC):c.2658G>T (p.Trp886Cys)

Gene: PRKDC (protein kinase, DNA-activated, catalytic subunit; minus strand). Cytogenetic location: 8q11.21.
Variant type: single nucleotide variant.
Coding change: c.2658G>T on transcript NM_006904.7 (MANE Select); coding-DNA position 2658, G replaced by T.
Protein change: p.Trp886Cys; replaces tryptophan 886 with cysteine.
Molecular consequence: missense variant.
Genome position (GRCh38, 1-based): chr8:47,914,024, C>A on the plus strand (G>T on the coding strand, the complement: PRKDC is on the minus strand). VCF-style: chr8-47914024-C-A. GRCh37 (hg19) VCF-style: chr8-48826584-C-A.
Other names: c.2658G>T, p.Trp886Cys (NM_001081640.2); short protein forms W886C.
Identifiers: ClinVar variation 2561918 (VCV002561918.2), dbSNP rs1367958793, ClinGen allele CA371159479.
Genomic context (GRCh38, chr8:47,914,024, plus strand): 5'-GAAAATGACAGGTTTCATCTCTCTAAAGGGCACTGCAAAGCTCAGCCGCTTCTCTCTGTC[C>A]CAGGCCACATAGCTCTTCATCATCTCATCTGAGGACGTGACTGTTAGAAAAGATTTAAGA-3'
Protein context (NP_008835.5, residues 876-896): SDEMMKSYVA[Trp886Cys]DREKRLSFAV

ClinVar aggregate classification (germline): Uncertain significance (1 of 4 stars; one submission).

Submission:

Ambry Genetics
Classification: Uncertain significance. Last evaluated: 2023-05-15. Review status: criteria provided, single submitter. Criteria: Ambry Variant Classification Scheme 2023. Collection method: clinical testing. Allele origin: germline.
Comment: The p.W886C variant (also known as c.2658G>T), located in coding exon 24 of the PRKDC gene, results from a G to T substitution at nucleotide position 2658. The tryptophan at codon 886 is replaced by cysteine, an amino acid with highly dissimilar properties. This amino acid position is conserved. In addition, the in silico prediction for this alteration is inconclusive. Since supporting evidence is limited at this time, the clinical significance of this alteration remains unclear.